The following is an entry in ClinVar:

ClinVar aggregate classification (germline): Pathogenic (1 of 4 stars; one submission).

Conditions:
Hermansky-Pudlak syndrome 3 (HPS3). Identifiers: Orphanet 231512, Orphanet 79430, MedGen C3888001, MONDO:0013555, OMIM 614072.

Submission:

Myriad Genetics, Inc.
Classification: Pathogenic for Hermansky-Pudlak syndrome 3. Last evaluated: 2024-05-14. Review status: criteria provided, single submitter. Criteria: Myriad Autosomal Dominant, Autosomal Recessive and X-Linked Classification Criteria (2023). Collection method: clinical testing. Allele origin: unknown.
Comment: NM_032383.3(HPS3):c.419_420insAACA(C141Tfs*16) is expected to be pathogenic in the context of Hermansky-Pudlak syndrome, HPS3-related. This variant is predicted to lead to an abnormal or absent protein product due to the creation of a premature termination codon in HPS3, a gene where loss-of-function variants are known to be pathogenic. Please note: this variant was assessed in the context of healthy population screening.

NM_032383.5(HPS3):c.419_420insAACA (p.Cys141fs)

Gene: HPS3 (HPS3 biogenesis of lysosomal organelles complex 2 subunit 1; plus strand). Cytogenetic location: 3q24.
Variant type: Insertion.
Coding change: c.419_420insAACA on transcript NM_032383.5 (MANE Select); coding-DNA positions 419 to 420, AACA inserted.
Protein change: p.Cys141fs; shifts the reading frame from cysteine 141.
Molecular consequence: frameshift variant. On other transcripts: intron variant (1).
Genome position: GRCh38 VCF-style: chr3-149140205-C-CAACA. GRCh37 (hg19) VCF-style: chr3-148857992-C-CAACA.
Other names: c.218-812_218-811insAACA (NM_001308258.2); short protein forms C141fs.
Identifiers: ClinVar variation 5011174 (VCV005011174.1).
Genomic context (GRCh38, chr3:149,140,205, plus strand): 5'-CCTTCAGAGACCAGATGTACATTATTGAAATGCCGCTTTCGGAGGCCCCCTTGTGCATTT[C>CAACA]CTGTTGCCCTGTGAAAGGAGACCTTCTCGTTGGCTGCACAAATAAATTAGTCTTATTTAG-3'